The following is an entry in ClinVar:

ClinVar aggregate classification (germline): Uncertain significance (1 of 4 stars; one submission).

Conditions:
Lethal multiple pterygium syndrome (LMPS). Identifiers: Orphanet 33108, MedGen C1854678, MONDO:0009668, OMIM 253290.

Submission:

Labcorp Genetics (formerly Invitae), Labcorp
Classification: Uncertain significance for Lethal multiple pterygium syndrome. Last evaluated: 2025-08-29. Review status: criteria provided, single submitter. Criteria: Invitae Variant Classification Sherloc (09022015). Collection method: clinical testing. Allele origin: germline.
Comment: This sequence change replaces arginine, which is basic and polar, with proline, which is neutral and non-polar, at codon 376 of the CHRND protein (p.Arg376Pro). This variant is present in population databases (rs749866545, gnomAD 0.003%). This variant has not been reported in the literature in individuals affected with CHRND-related conditions. Invitae Evidence Modeling of protein sequence and biophysical properties (such as structural, functional, and spatial information, amino acid conservation, physicochemical variation, residue mobility, and thermodynamic stability) has been performed for this missense variant. However, the output from this modeling did not meet the statistical confidence thresholds required to predict the impact of this variant on CHRND protein function. In summary, the available evidence is currently insufficient to determine the role of this variant in disease. Therefore, it has been classified as a Variant of Uncertain Significance.

NM_000751.3(CHRND):c.1127G>C (p.Arg376Pro)

Gene: CHRND (cholinergic receptor nicotinic delta subunit; plus strand). Cytogenetic location: 2q37.1.
Variant type: single nucleotide variant.
Coding change: c.1127G>C on transcript NM_000751.3 (MANE Select); coding-DNA position 1127, G replaced by C.
Protein change: p.Arg376Pro; replaces arginine 376 with proline.
Molecular consequence: missense variant.
Genome position (GRCh38, 1-based): chr2:232,534,010, G>C. VCF-style: chr2-232534010-G-C. GRCh37 (hg19) VCF-style: chr2-233398720-G-C.
Other names: c.1082G>C, p.Arg361Pro (NM_001256657.2); c.545G>C, p.Arg182Pro (NM_001311195.2); c.824G>C, p.Arg275Pro (NM_001311196.2); short protein forms R182P, R361P, R275P, R376P.
Identifiers: ClinVar variation 4739754 (VCV004739754.1).